The following is an entry in ClinVar:

NM_004714.3(DYRK1B):c.951T>C (p.Asn317=)

Gene: DYRK1B (dual specificity tyrosine phosphorylation regulated kinase 1B; minus strand). Cytogenetic location: 19q13.2.
Variant type: single nucleotide variant.
Coding change: c.951T>C on transcript NM_004714.3 (MANE Select); coding-DNA position 951, T replaced by C.
Protein change: p.Asn317=; no amino-acid change (asparagine 317 retained).
Molecular consequence: synonymous variant.
Genome position (GRCh38, 1-based): chr19:39,827,513, A>G on the plus strand (T>C on the coding strand, the complement: DYRK1B is on the minus strand). VCF-style: chr19-39827513-A-G. GRCh37 (hg19) VCF-style: chr19-40318153-A-G.
Other names: c.951T>C, p.Asn317= (NM_006483.3, NM_006484.3).
Identifiers: ClinVar variation 4984766 (VCV004984766.1).

ClinVar aggregate classification (germline): Likely benign (1 of 4 stars; one submission).

Conditions:
DYRK1B-related disorder. Also called: DYRK1B-related condition.

Submission:

PreventionGenetics, part of Exact Sciences
Classification: Likely benign for DYRK1B-related condition. Last evaluated: 2025-06-16. Review status: criteria provided, single submitter. Criteria: ACMG Guidelines, 2015. Collection method: clinical testing. Allele origin: germline.
Comment: This variant is classified as likely benign based on ACMG/AMP sequence variant interpretation guidelines (Richards et al. 2015 PMID: 25741868, with internal and published modifications).